The following is an entry in ClinVar:

NM_000337.6(SGCD):c.*2814G>T

Gene: SGCD (sarcoglycan delta; plus strand). Cytogenetic location: 5q33.3.
Variant type: single nucleotide variant.
Coding change: c.*2814G>T on transcript NM_000337.6 (MANE Select); 2814 bases downstream of the stop codon, G replaced by T.
Molecular consequence: 3 prime UTR variant.
Genome position (GRCh38, 1-based): chr5:156,762,204, G>T. VCF-style: chr5-156762204-G-T. GRCh37 (hg19) VCF-style: chr5-156189215-G-T.
Other names: c.*2814G>T (NM_001128209.2).
Identifiers: ClinVar variation 352366 (VCV000352366.6), dbSNP rs142023087, ClinGen allele CA10623856.

ClinVar aggregate classification (germline): Likely benign (1 of 4 stars; one submission).

Conditions:
Qualitative or quantitative defects of delta-sarcoglycan. Identifiers: Orphanet 207070, MedGen C5680806, MONDO:0016144.

Allele frequency attached by ClinVar (database versions not stated): TOPMed 0.00002; 1000 Genomes Project 30x 0.00234; 1000 Genomes Project 0.00280.

Submission:

Illumina Laboratory Services, Illumina
Classification: Likely benign for Qualitative or quantitative defects of delta-sarcoglycan. Last evaluated: 2018-01-13. Review status: criteria provided, single submitter. Criteria: ICSL Variant Classification Criteria 13 December 2019. Collection method: clinical testing. Allele origin: germline.
Comment: This variant was observed in the ICSL laboratory as part of a predisposition screen in an ostensibly healthy population. It had not been previously curated by ICSL or reported in the Human Gene Mutation Database (HGMD: prior to June 1st, 2018), and was therefore a candidate for classification through an automated scoring system. Utilizing variant allele frequency, disease prevalence and penetrance estimates, and inheritance mode, an automated score was calculated to assess if this variant is too frequent to cause the disease. Based on the score and internal cut-off values, a variant classified as likely benign is not then subjected to further curation. The score for this variant resulted in a classification of likely benign for this disease.